The following is an entry in ClinVar:

NM_004958.4(MTOR):c.2805G>A (p.Leu935=)

Gene: MTOR (mechanistic target of rapamycin kinase; minus strand). Cytogenetic location: 1p36.22.
Variant type: single nucleotide variant.
Coding change: c.2805G>A on transcript NM_004958.4 (MANE Select); coding-DNA position 2805, G replaced by A.
Protein change: p.Leu935=; no amino-acid change (leucine 935 retained).
Molecular consequence: synonymous variant.
Genome position (GRCh38, 1-based): chr1:11,228,893, C>T on the plus strand (G>A on the coding strand, the complement: MTOR is on the minus strand). VCF-style: chr1-11228893-C-T. GRCh37 (hg19) VCF-style: chr1-11288950-C-T.
Identifiers: ClinVar variation 695319 (VCV000695319.38), dbSNP rs137863158, ClinGen allele CA590360.

ClinVar aggregate classification (germline): Benign/Likely benign. Review status: criteria provided, multiple submitters, no conflicts (2 of 4 stars). 5 submissions from 5 submitters: Benign (2); Likely benign (2). 1 of the submissions does not count toward it. Last evaluated 2026-02-03.

Conditions:
MTOR-related disorder. Also called: MTOR-related condition.

Allele frequency attached by ClinVar (database versions not stated): ESP Exome Variant Server 0.00038; gnomAD 0.00049 and 0.00081; TOPMed 0.00059; gnomAD exomes 0.00123 and 0.00215; ExAC 0.00222; 1000 Genomes Project 30x 0.00250; 1000 Genomes Project 0.00300.
gnomAD v4.1: 1,917 of 1,614,152 alleles (0.12%); highest among the groups gnomAD compares: South Asian, 1.2%; 27 homozygotes.

Submissions (5):

Labcorp Genetics (formerly Invitae), Labcorp
Classification: Benign. Last evaluated: 2026-02-03. Review status: criteria provided, single submitter. Criteria: Invitae Variant Classification Sherloc (09022015). Collection method: clinical testing. Allele origin: germline.

CeGaT Center for Human Genetics Tuebingen
Classification: Benign. Last evaluated: 2025-07-01. Review status: criteria provided, single submitter. Criteria: CeGaT Center For Human Genetics Tuebingen Variant Classification Criteria Version 2. Collection method: clinical testing. Allele origin: germline. Affected: yes. Observed: 4 variant alleles.
Comment: MTOR: BP4, BS1, BS2

GeneDx
Classification: Likely benign. Last evaluated: 2020-11-04. Review status: criteria provided, single submitter. Criteria: GeneDx Variant Classification Process June 2021. Collection method: clinical testing. Allele origin: germline. Affected: yes.

Breakthrough Genomics
Classification: Likely benign. Review status: criteria provided, single submitter. Criteria: ACMG Guidelines, 2015. Collection method: not provided. Allele origin: germline. Inheritance: Autosomal dominant inheritance. Affected: yes.

PreventionGenetics, part of Exact Sciences
Classification: Benign for MTOR-related condition. Last evaluated: 2019-04-29. Review status: no assertion criteria provided. Collection method: clinical testing. Allele origin: germline. Not counted in ClinVar's aggregate classification.
Comment: This variant is classified as benign based on ACMG/AMP sequence variant interpretation guidelines (Richards et al. 2015 PMID: 25741868, with internal and published modifications).